The following is an entry in ClinVar:

ClinVar aggregate classification (germline): Uncertain significance (0 of 4 stars; one submission).

Conditions:
PCNT-related disorder. Also called: PCNT-related condition.

gnomAD v4.1: 3 of 1,606,464 alleles (0.00019%); no homozygotes.

Submission:

PreventionGenetics, part of Exact Sciences
Classification: Uncertain significance for PCNT-related condition. Last evaluated: 2024-02-13. Review status: no assertion criteria provided. Collection method: clinical testing. Allele origin: germline.
Comment: The PCNT c.4084G>A variant is predicted to result in the amino acid substitution p.Val1362Met. To our knowledge, this variant has not been reported in the literature or in a large population database, indicating this variant is rare. At this time, the clinical significance of this variant is uncertain due to the absence of conclusive functional and genetic evidence.

NM_006031.6(PCNT):c.4084G>A (p.Val1362Met)

Gene: PCNT (pericentrin; plus strand). Cytogenetic location: 21q22.3.
Variant type: single nucleotide variant.
Coding change: c.4084G>A on transcript NM_006031.6 (MANE Select); coding-DNA position 4084, G replaced by A.
Protein change: p.Val1362Met; replaces valine 1362 with methionine.
Molecular consequence: missense variant.
Genome position (GRCh38, 1-based): chr21:46,391,244, G>A. VCF-style: chr21-46391244-G-A. GRCh37 (hg19) VCF-style: chr21-47811159-G-A.
Other names: c.3730G>A, p.Val1244Met (NM_001315529.2); short protein forms V1244M, V1362M.
Identifiers: ClinVar variation 3351564 (VCV003351564.1).